The following is an entry in ClinVar:

ClinVar aggregate classification (germline): Pathogenic (1 of 4 stars; one submission).

Submission:

Quest Diagnostics Nichols Institute San Juan Capistrano
Classification: Pathogenic. Last evaluated: 2024-01-04. Review status: criteria provided, single submitter. Criteria: ACMG/ClinGen CNV Guidelines, 2019. Collection method: clinical testing. Allele origin: unknown.
Comment: This gain is consistent with the 15q11q13 recurrent interval (BP1-BP3) of the Prader-Willi/Angelman critical region, triplosensitivity of which is associated with 15q11q13 duplication syndrome (ISCA-37404; OMIM 608636; Lusk et al., GeneReviews. [Jul 15 2021]. PMID: 2730868). Evidence suggests a parent-of-origin effect (Marini et al., Am J Med Genet A. 2013 Jun;161A(6):1459-64. PMID: 23633446; Urraca et al., Autism Res. 2013 Aug;6(4):268-79, PMID: 23495136). Thus, this CNV is classified as pathogenic.

GRCh37/hg19 15q11.2-13.1(chr15:22770422-28545355)x3

Genes: PWARSN (Prader Willi/Angelman region RNA, SNRPN neighbor; plus strand), OCA2 (OCA2 melanosomal transmembrane protein; minus strand), PWAR1 (Prader Willi/Angelman region RNA 1; plus strand), PWAR4 (Prader Willi/Angelman region RNA 4; plus strand), PWAR5 (Prader Willi/Angelman region RNA 5; plus strand) and 23 more. Cytogenetic location: 15q11.2-13.1.
Variant type: copy number gain.
Change: copy number 3 (three copies instead of two) of chr15:22,770,422-28,545,355 (5.77 Mb, GRCh37 coordinates, 1-based), cytogenetic band 15q11.2-13.1.
Identifiers: ClinVar variation 1808717 (VCV001808717.1).